The following is an entry in ClinVar:

NM_017802.4(DNAAF5):c.886G>A (p.Asp296Asn)

Gene: DNAAF5 (dynein axonemal assembly factor 5; plus strand). Cytogenetic location: 7p22.3.
Variant type: single nucleotide variant.
Coding change: c.886G>A on transcript NM_017802.4 (MANE Select); coding-DNA position 886, G replaced by A.
Protein change: p.Asp296Asn; replaces aspartic acid 296 with asparagine.
Molecular consequence: missense variant. On other transcripts: non-coding transcript variant (1).
Genome position (GRCh38, 1-based): chr7:740,924, G>A. VCF-style: chr7-740924-G-A. GRCh37 (hg19) VCF-style: chr7-780561-G-A.
Other names: short protein forms D296N.
Identifiers: ClinVar variation 4556415 (VCV004556415.1).

ClinVar aggregate classification (germline): Uncertain significance (1 of 4 stars; one submission).

Conditions:
Primary ciliary dyskinesia. Also called: Ciliary dyskinesia. Identifiers: Orphanet 244, MedGen C0008780, MONDO:0016575, HP:0012265.

gnomAD v4.1: 18 of 1,613,612 alleles (0.0011%); highest among the groups gnomAD compares: South Asian, 0.0033%; no homozygotes.

Submission:

Ambry Genetics
Classification: Uncertain significance for Primary ciliary dyskinesia. Last evaluated: 2025-09-18. Review status: criteria provided, single submitter. Criteria: Ambry Variant Classification Scheme 2023. Collection method: clinical testing. Allele origin: germline.
Comment: The p.D296N variant (also known as c.886G>A), located in coding exon 3 of the DNAAF5 gene, results from a G to A substitution at nucleotide position 886. The aspartic acid at codon 296 is replaced by asparagine, an amino acid with highly similar properties. This amino acid position is conserved. In addition, the in silico prediction for this alteration is inconclusive. Based on the available evidence, the clinical significance of this variant remains unclear.